The following is an entry in ClinVar:

ClinVar aggregate classification (germline): Uncertain significance. Review status: criteria provided, multiple submitters, no conflicts (2 of 4 stars). 2 submissions from 2 submitters: Uncertain significance (2). Last evaluated 2024-10-07.

Conditions:
Glycine encephalopathy. Also called: Non-ketotic hyperglycinemia; Nonketotic hyperglycinemia. Identifiers: Orphanet 407, MedGen C0751748, MONDO:0011612, HP:0008288.

Allele frequency attached by ClinVar (database versions not stated): TOPMed below 0.00001; ExAC 0.00001; gnomAD 0.00001; gnomAD exomes 0.00001.
gnomAD v4.1: 5 of 1,612,320 alleles (0.00031%); highest among the groups gnomAD compares: Non-Finnish European, 0.00042%; no homozygotes.

Submissions (2):

Blueprint Genetics
Classification: Uncertain significance. Last evaluated: 2024-10-07. Review status: criteria provided, single submitter. Criteria: ACMG Guidelines, 2015. Collection method: clinical testing. Allele origin: germline.

Labcorp Genetics (formerly Invitae), Labcorp
Classification: Uncertain significance for Glycine encephalopathy. Last evaluated: 2022-08-19. Review status: criteria provided, single submitter. Criteria: Invitae Variant Classification Sherloc (09022015). Collection method: clinical testing. Allele origin: germline.
Comment: This sequence change replaces leucine, which is neutral and non-polar, with phenylalanine, which is neutral and non-polar, at codon 105 of the GLDC protein (p.Leu105Phe). This variant is present in population databases (rs759386821, gnomAD 0.0009%). This variant has not been reported in the literature in individuals affected with GLDC-related conditions. Advanced modeling of protein sequence and biophysical properties (such as structural, functional, and spatial information, amino acid conservation, physicochemical variation, residue mobility, and thermodynamic stability) performed at Invitae indicates that this missense variant is expected to disrupt GLDC protein function. In summary, the available evidence is currently insufficient to determine the role of this variant in disease. Therefore, it has been classified as a Variant of Uncertain Significance.

NM_000170.3(GLDC):c.315G>T (p.Leu105Phe)

Gene: GLDC (glycine decarboxylase; minus strand). Cytogenetic location: 9p24.1.
Variant type: single nucleotide variant.
Coding change: c.315G>T on transcript NM_000170.3 (MANE Select); coding-DNA position 315, G replaced by T.
Protein change: p.Leu105Phe; replaces leucine 105 with phenylalanine.
Molecular consequence: missense variant.
Genome position (GRCh38, 1-based): chr9:6,644,633, C>A on the plus strand (G>T on the coding strand, the complement: GLDC is on the minus strand). VCF-style: chr9-6644633-C-A. GRCh37 (hg19) VCF-style: chr9-6644633-C-A.
Other names: short protein forms L105F.
Identifiers: ClinVar variation 2080023 (VCV002080023.2), dbSNP rs759386821, ClinGen allele CA4981210.